The following is an entry in ClinVar:

ClinVar aggregate classification (germline): Uncertain significance (1 of 4 stars; one submission).

Conditions:
Carnitine palmitoyltransferase II deficiency. Also called: Carnitine Palmitoyltransferase 2 Deficiency. Identifiers: Orphanet 157, MedGen C0342790, MONDO:0015515.

Allele frequency attached by ClinVar (database versions not stated): TOPMed below 0.00001.

Submission:

Labcorp Genetics (formerly Invitae), Labcorp
Classification: Uncertain significance for Carnitine palmitoyltransferase II deficiency. Last evaluated: 2021-09-17. Review status: criteria provided, single submitter. Criteria: Invitae Variant Classification Sherloc (09022015). Collection method: clinical testing. Allele origin: germline.
Comment: This sequence change replaces proline with leucine at codon 133 of the CPT2 protein (p.Pro133Leu). The proline residue is highly conserved and there is a moderate physicochemical difference between proline and leucine. This variant is not present in population databases (ExAC no frequency). This variant has not been reported in the literature in individuals affected with CPT2-related conditions. Algorithms developed to predict the effect of missense changes on protein structure and function are either unavailable or do not agree on the potential impact of this missense change (SIFT: "Deleterious"; PolyPhen-2: "Probably Damaging"; Align-GVGD: "Class C0"). In summary, the available evidence is currently insufficient to determine the role of this variant in disease. Therefore, it has been classified as a Variant of Uncertain Significance.

NM_000098.3(CPT2):c.398C>T (p.Pro133Leu)

Gene: CPT2 (carnitine palmitoyltransferase 2; plus strand). Cytogenetic location: 1p32.3.
Variant type: single nucleotide variant.
Coding change: c.398C>T on transcript NM_000098.3 (MANE Select); coding-DNA position 398, C replaced by T.
Protein change: p.Pro133Leu; replaces proline 133 with leucine.
Molecular consequence: missense variant.
Genome position (GRCh38, 1-based): chr1:53,210,072, C>T. VCF-style: chr1-53210072-C-T. GRCh37 (hg19) VCF-style: chr1-53675744-C-T.
Other names: c.398C>T, p.Pro133Leu (NM_001330589.2); short protein forms P133L.
Identifiers: ClinVar variation 1351820 (VCV001351820.5), dbSNP rs1645411615, ClinGen allele CA340391984.